The following is an entry in ClinVar:

NM_033028.5(BBS4):c.223T>C (p.Leu75=)

Gene: BBS4 (Bardet-Biedl syndrome 4; plus strand). Cytogenetic location: 15q24.1.
Variant type: single nucleotide variant.
Coding change: c.223T>C on transcript NM_033028.5 (MANE Select); coding-DNA position 223, T replaced by C.
Protein change: p.Leu75=; no amino-acid change (leucine 75 retained).
Molecular consequence: synonymous variant. On other transcripts: 5 prime UTR variant (1), non-coding transcript variant (2).
Genome position (GRCh38, 1-based): chr15:72,715,293, T>C. VCF-style: chr15-72715293-T-C. GRCh37 (hg19) VCF-style: chr15-73007634-T-C.
Other names: c.-299T>C (NM_001252678.2); c.223T>C, p.Leu75= (NM_001320665.2); c.223T>C (NM_033028.4).
Identifiers: ClinVar variation 3003556 (VCV003003556.4), dbSNP rs2065447900, ClinGen allele CA491125503.

ClinVar aggregate classification (germline): Likely benign. Review status: criteria provided, multiple submitters, no conflicts (2 of 4 stars). 2 submissions from 2 submitters: Likely benign (2). Last evaluated 2025-11-06.

Conditions:
Bardet-Biedl syndrome (BBS). Identifiers: Orphanet 110, MedGen C0752166, MONDO:0015229.
BBS4-related disorder. Also called: BBS4-related condition.

Allele frequency attached by ClinVar (database versions not stated): gnomAD exomes below 0.00001; TOPMed below 0.00001.
gnomAD v4.1: 5 of 1,607,994 alleles (0.00031%); highest among the groups gnomAD compares: South Asian, 0.0011%; no homozygotes.

Submissions (2):

PreventionGenetics, part of Exact Sciences
Classification: Likely benign for BBS4-related condition. Last evaluated: 2025-11-06. Review status: criteria provided, single submitter. Criteria: ACMG Guidelines, 2015. Collection method: clinical testing. Allele origin: germline.
Comment: This variant is classified as likely benign based on ACMG/AMP sequence variant interpretation guidelines (Richards et al. 2015 PMID: 25741868, with internal and published modifications).

Labcorp Genetics (formerly Invitae), Labcorp
Classification: Likely benign for Bardet-Biedl syndrome. Last evaluated: 2025-08-18. Review status: criteria provided, single submitter. Criteria: Invitae Variant Classification Sherloc (09022015). Collection method: clinical testing. Allele origin: germline.